The following is an entry in ClinVar:

NM_152594.3(SPRED1):c.207G>A (p.Met69Ile)

Gene: SPRED1 (sprouty related EVH1 domain containing 1; plus strand). Cytogenetic location: 15q14.
Variant type: single nucleotide variant.
Coding change: c.207G>A on transcript NM_152594.3 (MANE Select); coding-DNA position 207, G replaced by A.
Protein change: p.Met69Ile; replaces methionine 69 with isoleucine.
Molecular consequence: missense variant.
Genome position (GRCh38, 1-based): chr15:38,299,547, G>A. VCF-style: chr15-38299547-G-A. GRCh37 (hg19) VCF-style: chr15-38591748-G-A.
Other names: short protein forms M69I.
Identifiers: ClinVar variation 2030524 (VCV002030524.4), dbSNP rs2542661278, ClinGen allele CA391934624.

ClinVar aggregate classification (germline): Uncertain significance (1 of 4 stars; one submission).

Conditions:
Legius syndrome. Identifiers: Orphanet 137605, MedGen C1969623, MONDO:0012669, OMIM 611431. Disease mechanism: loss of function.

Submission:

Labcorp Genetics (formerly Invitae), Labcorp
Classification: Uncertain significance for Legius syndrome. Last evaluated: 2022-09-14. Review status: criteria provided, single submitter. Criteria: Invitae Variant Classification Sherloc (09022015). Collection method: clinical testing. Allele origin: germline.
Comment: In summary, the available evidence is currently insufficient to determine the role of this variant in disease. Therefore, it has been classified as a Variant of Uncertain Significance. Variants that disrupt the consensus splice site are a relatively common cause of aberrant splicing (PMID: 17576681, 9536098). Algorithms developed to predict the effect of sequence changes on RNA splicing suggest that this variant may disrupt the consensus splice site. Algorithms developed to predict the effect of missense changes on protein structure and function (SIFT, PolyPhen-2, Align-GVGD) all suggest that this variant is likely to be tolerated. This variant has not been reported in the literature in individuals affected with SPRED1-related conditions. This variant is not present in population databases (gnomAD no frequency). This sequence change replaces methionine, which is neutral and non-polar, with isoleucine, which is neutral and non-polar, at codon 69 of the SPRED1 protein (p.Met69Ile). This variant also falls at the last nucleotide of exon 2, which is part of the consensus splice site for this exon.

Literature cited by the submitters: PubMed 17576681; PubMed 9536098.